The following is an entry in ClinVar:

NM_001401501.2(MUC16):c.39396T>C (p.Ser13132=)

Gene: MUC16 (mucin 16, cell surface associated; minus strand). Cytogenetic location: 19p13.2.
Variant type: single nucleotide variant.
Coding change: c.39396T>C on transcript NM_001401501.2 (MANE Select); coding-DNA position 39396, T replaced by C.
Protein change: p.Ser13132=; no amino-acid change (serine 13132 retained).
Molecular consequence: synonymous variant.
Genome position (GRCh38, 1-based): chr19:8,897,666, A>G on the plus strand (T>C on the coding strand, the complement: MUC16 is on the minus strand). VCF-style: chr19-8897666-A-G. GRCh37 (hg19) VCF-style: chr19-9008342-A-G.
Other names: c.39822T>C, p.Ser13274= (NM_001414686.1); c.39276T>C, p.Ser13092= (NM_001414687.1); c.39210T>C, p.Ser13070= (NM_024690.2).
Identifiers: ClinVar variation 3039520 (VCV003039520.2), dbSNP rs796829441, ClinGen allele CA305080096.

ClinVar aggregate classification (germline): Benign (0 of 4 stars; one submission).

Conditions:
MUC16-related disorder. Also called: MUC16-related condition.

Allele frequency attached by ClinVar (database versions not stated): 1000 Genomes Project 30x 0.31839.

Submission:

PreventionGenetics, part of Exact Sciences
Classification: Benign for MUC16-related condition. Last evaluated: 2019-03-21. Review status: no assertion criteria provided. Collection method: clinical testing. Allele origin: germline.
Comment: This variant is classified as benign based on ACMG/AMP sequence variant interpretation guidelines (Richards et al. 2015 PMID: 25741868, with internal and published modifications).